The following is an entry in ClinVar:

ClinVar aggregate classification (germline): Uncertain significance (1 of 4 stars; one submission).

Submission:

GeneDx
Classification: Uncertain significance. Last evaluated: 2025-04-18. Review status: criteria provided, single submitter. Criteria: GeneDx Variant Classification Process June 2021. Collection method: clinical testing. Allele origin: germline. Affected: yes.
Comment: Not observed at significant frequency in large population cohorts (gnomAD); Missense variants in this gene are a common cause of disease and they are underrepresented in the general population; In silico analysis indicates that this missense variant does not alter protein structure/function; Has not been previously published as pathogenic or benign to our knowledge; This variant is associated with the following publications: (PMID: 27010057)

NM_178012.5(TUBB2B):c.1111A>G (p.Ser371Gly)

Gene: TUBB2B (tubulin beta 2B class IIb; minus strand). Cytogenetic location: 6p25.2.
Variant type: single nucleotide variant.
Coding change: c.1111A>G on transcript NM_178012.5 (MANE Select); coding-DNA position 1111, A replaced by G.
Protein change: p.Ser371Gly; replaces serine 371 with glycine.
Molecular consequence: missense variant.
Genome position (GRCh38, 1-based): chr6:3,224,978, T>C on the plus strand (A>G on the coding strand, the complement: TUBB2B is on the minus strand). VCF-style: chr6-3224978-T-C. GRCh37 (hg19) VCF-style: chr6-3225212-T-C.
Other names: short protein forms S371G.
Identifiers: ClinVar variation 4282076 (VCV004282076.1).
Genomic context (GRCh38, chr6:3,224,978, plus strand): 5'-GCCGGAACATGGCCGTGAACTGCTCGGAGATGCGCTTGAACAGCTCCTGGATGGCCGTGC[T>C]GTTGCCGATGAAGGTGGCCGACATCTTCAGGCCGCGGGGCGGGATGTCGCACACGGCCGT-3'
Protein context (NP_821080.1, residues 361-381): LKMSATFIGN[Ser371Gly]TAIQELFKRI